The following is an entry in ClinVar:

ClinVar aggregate classification (germline): Uncertain significance. Review status: criteria provided, multiple submitters, no conflicts (2 of 4 stars). 2 submissions from 2 submitters: Uncertain significance (2). Last evaluated 2025-12-23.

Conditions:
Pitt-Hopkins-like syndrome 2 (PTHSL2). Identifiers: Orphanet 221150, Orphanet 600663, MedGen C3280479, MONDO:0013690, OMIM 614325.

Allele frequency attached by ClinVar (database versions not stated): gnomAD 0.00001; gnomAD exomes 0.00001 and 0.00002; TOPMed 0.00001; ExAC 0.00002.

Submissions (2):

Labcorp Genetics (formerly Invitae), Labcorp
Classification: Uncertain significance for Pitt-Hopkins-like syndrome 2. Last evaluated: 2025-12-23. Review status: criteria provided, single submitter. Criteria: Invitae Variant Classification Sherloc (09022015). Collection method: clinical testing. Allele origin: germline.
Comment: This sequence change replaces asparagine, which is neutral and polar, with serine, which is neutral and polar, at codon 125 of the NRXN1 protein (p.Asn125Ser). This variant is present in population databases (rs770641207, gnomAD 0.01%). This variant has not been reported in the literature in individuals affected with NRXN1-related conditions. ClinVar contains an entry for this variant (Variation ID: 206238). An algorithm developed to predict the effect of missense changes on protein structure and function (PolyPhen-2) suggests that this variant is likely to be tolerated. In summary, the available evidence is currently insufficient to determine the role of this variant in disease. Therefore, it has been classified as a Variant of Uncertain Significance.

GeneDx
Classification: Uncertain significance. Last evaluated: 2025-11-03. Review status: criteria provided, single submitter. Criteria: GeneDx Variant Classification Process June 2021. Collection method: clinical testing. Allele origin: germline. Affected: yes.
Comment: In silico analysis suggests that this missense variant does not alter protein structure/function; Has not been previously published as pathogenic or benign to our knowledge

NM_001330078.2(NRXN1):c.374A>G (p.Asn125Ser)

Gene: NRXN1 (neurexin 1; minus strand). Cytogenetic location: 2p16.3.
Variant type: single nucleotide variant.
Coding change: c.374A>G on transcript NM_001330078.2 (MANE Select); coding-DNA position 374, A replaced by G.
Protein change: p.Asn125Ser; replaces asparagine 125 with serine.
Molecular consequence: missense variant.
Genome position (GRCh38, 1-based): chr2:51,027,900, T>C on the plus strand (A>G on the coding strand, the complement: NRXN1 is on the minus strand). VCF-style: chr2-51027900-T-C. GRCh37 (hg19) VCF-style: chr2-51255038-T-C.
Other names: p.N125S:AAC>AGC; c.374A>G, p.Asn125Ser (NM_001135659.3, NM_001330077.2, NM_001330079.2 and 15 more transcripts); short protein forms N125S.
Identifiers: ClinVar variation 206238 (VCV000206238.10), dbSNP rs770641207, ClinGen allele CA316125.